The following is an entry in ClinVar:

ClinVar aggregate classification (germline): Likely benign. Review status: criteria provided, multiple submitters, no conflicts (2 of 4 stars). 4 submissions from 4 submitters: Likely benign (4). Last evaluated 2026-06-15.

Conditions:
Ehlers-Danlos syndrome, classic type, 1 (EDSCL1). Also called: Ehlers-Danlos syndrome, type 1; Ehlers-Danlos Syndrome, Classic Type, COL5A1-Related; EDS I; EHLERS-DANLOS SYNDROME, GRAVIS TYPE; EHLERS-DANLOS SYNDROME, SEVERE CLASSIC TYPE. Identifiers: MedGen C0268335, MONDO:0019567, OMIM 130000.
Familial thoracic aortic aneurysm and aortic dissection (TAAD). Also called: Thoracic aortic aneurysms and dissections. Identifiers: Orphanet 91387, MedGen C4707243, MONDO:0019625.

Allele frequency attached by ClinVar (database versions not stated): ExAC 0.00001; gnomAD exomes 0.00001.
gnomAD v4.1: 3 of 1,614,062 alleles (0.00019%); highest among the groups gnomAD compares: Non-Finnish European, 0.00025%; no homozygotes.

Submissions (4):

Women's Health and Genetics/Laboratory Corporation of America, LabCorp
Classification: Likely benign. Last evaluated: 2026-06-15. Review status: criteria provided, single submitter. Criteria: LabCorp Variant Classification Summary - May 2015. Collection method: clinical testing. Allele origin: germline.

Labcorp Genetics (formerly Invitae), Labcorp
Classification: Likely benign for Ehlers-Danlos syndrome, classic type, 1. Last evaluated: 2025-08-09. Review status: criteria provided, single submitter. Criteria: Invitae Variant Classification Sherloc (09022015). Collection method: clinical testing. Allele origin: germline.

Ambry Genetics
Classification: Likely benign for Familial thoracic aortic aneurysm and aortic dissection. Last evaluated: 2018-03-13. Review status: criteria provided, single submitter. Criteria: Ambry Variant Classification Scheme 2023. Collection method: clinical testing. Allele origin: germline.

GeneDx
Classification: Likely benign. Last evaluated: 2018-03-05. Review status: criteria provided, single submitter. Criteria: GeneDx Variant Classification (06012015). Collection method: clinical testing. Allele origin: germline. Affected: yes.
Comment: This variant is considered likely benign or benign based on one or more of the following criteria: it is a conservative change, it occurs at a poorly conserved position in the protein, it is predicted to be benign by multiple in silico algorithms, and/or has population frequency not consistent with disease.

NM_000393.5(COL5A2):c.270G>A (p.Gly90=)

Gene: COL5A2 (collagen type V alpha 2 chain; minus strand). Cytogenetic location: 2q32.2.
Variant type: single nucleotide variant.
Coding change: c.270G>A on transcript NM_000393.5 (MANE Select); coding-DNA position 270, G replaced by A.
Protein change: p.Gly90=; no amino-acid change (glycine 90 retained).
Molecular consequence: synonymous variant.
Genome position (GRCh38, 1-based): chr2:189,110,277, C>T on the plus strand (G>A on the coding strand, the complement: COL5A2 is on the minus strand). VCF-style: chr2-189110277-C-T. GRCh37 (hg19) VCF-style: chr2-189975003-C-T.
Identifiers: ClinVar variation 515965 (VCV000515965.5), dbSNP rs756103588, ClinGen allele CA2023167.